The following is an entry in ClinVar:

ClinVar aggregate classification (germline): Pathogenic. Review status: criteria provided, multiple submitters, no conflicts (2 of 4 stars). 3 submissions from 3 submitters: Pathogenic (3). Last evaluated 2019-07-01.

Conditions:
DICER1-related tumor predisposition. Also called: DICER1 syndrome; DICER1-related pleuropulmonary blastoma cancer predisposition syndrome. Identifiers: Orphanet 284343, MedGen C3839822, MONDO:0100216.
Hereditary cancer-predisposing syndrome. Also called: Tumor predisposition; Hereditary Cancer Syndrome; Neoplastic Syndromes, Hereditary; Hereditary neoplastic syndrome. Identifiers: Orphanet 140162, MedGen C0027672, MeSH D009386, MONDO:0015356.

Submissions (3):

Foulkes Cancer Genetics LDI, Lady Davis Institute for Medical Research
Classification: Pathogenic for Pleuropulmonary blastoma. Last evaluated: 2019-07-01. Review status: criteria provided, single submitter. Criteria: ACMG Guidelines, 2015. Collection method: curation. Allele origin: germline. Affected: yes. Observed: 1 variant allele.
Comment: ACMG criteria met: PVS1, PM2, PP4

International Pleuropulmonary Blastoma Registry, Children's Hospitals and Clinics of Minnesota
Classification: Pathogenic for Pleuropulmonary blastoma. Last evaluated: 2014-11-10. Review status: criteria provided, single submitter. Criteria: Hill et al. (Science. 2009). Collection method: clinical testing. Allele origin: germline. Affected: yes. Study: PPB-DICER1 Genetic study.

Ambry Genetics
Classification: Pathogenic for Hereditary cancer-predisposing syndrome. Last evaluated: 2012-12-13. Review status: criteria provided, single submitter. Criteria: Ambry Autosomal Dominant and X-Linked criteria (10/2015). Collection method: clinical testing. Allele origin: germline. Observed: 1 variant allele.
Comment: This alteration is expected to result in loss of function by premature protein truncation or nonsense-mediatedâ€¯mRNAâ€¯decay.â€¯As such, this alteration is interpreted as a disease-causing mutation.

Literature cited by the submitters: PubMed 26925222 (cited by Foulkes Cancer Genetics LDI, Lady Davis Institute for Medical Research and International Pleuropulmonary Blastoma Registry, Children's Hospitals and Clinics of Minnesota).

NM_177438.3(DICER1):c.2243_2244delinsAA (p.Cys748Ter)

Gene: DICER1 (dicer 1, ribonuclease III; minus strand). Cytogenetic location: 14q32.13.
Variant type: Indel.
Coding change: c.2243_2244delinsAA on transcript NM_177438.3 (MANE Select); coding-DNA positions 2243 to 2244, GC replaced by AA.
Protein change: p.Cys748Ter; replaces cysteine 748 with a stop codon.
Molecular consequence: nonsense.
Genome position (GRCh38, 1-based): chr14:95,111,329-95,111,330, GC replaced by TT on the plus strand (GC replaced by AA on the coding strand, the reverse complement: DICER1 is on the minus strand). VCF-style: chr14-95111329-GC-TT. GRCh37 (hg19) VCF-style: chr14-95577666-GC-TT.
Other names: NP_803187.1:p.C748*; c.2243_2244delGCinsAA (NM_177438.2); c.2243_2244delinsAA, p.Cys748Ter (NM_001195573.1, NM_001271282.3, NM_001291628.2 and 1 more transcripts); short protein forms C748*.
Identifiers: ClinVar variation 254306 (VCV000254306.6), dbSNP rs886037687, ClinGen allele CA10586468.